The following is an entry in ClinVar:

NM_001243133.2(NLRP3):c.1842C>G (p.Ala614=)

Gene: NLRP3 (NLR family pyrin domain containing 3; plus strand). Cytogenetic location: 1q44.
Variant type: single nucleotide variant.
Coding change: c.1842C>G on transcript NM_001243133.2 (MANE Select); coding-DNA position 1842, C replaced by G.
Protein change: p.Ala614=; no amino-acid change (alanine 614 retained).
Molecular consequence: synonymous variant.
Genome position (GRCh38, 1-based): chr1:247,425,291, C>G. VCF-style: chr1-247425291-C-G. GRCh37 (hg19) VCF-style: chr1-247588593-C-G.
Other names: c.1842C>G, p.Ala614= (NM_001079821.3, NM_001127461.3, NM_001127462.3 and 1 more transcripts); c.1848C>G, p.Ala616= (NM_004895.5).
Identifiers: ClinVar variation 680909 (VCV000680909.3), dbSNP rs1410028681, ClinGen allele CA424582886.
Genomic context (GRCh38, chr1:247,425,291, plus strand): 5'-AAGTTGCAAGATCTCTCAGCAAATCAGGCTGGAGCTGCTGAAATGGATTGAAGTGAAAGC[C>G]AAAGCTAAAAAGCTGCAGATCCAGCCCAGCCAGCTGGAATTGTTCTACTGTTTGTACGAG-3'
Protein context (NP_001230062.1, residues 604-624): LELLKWIEVK[Ala614=]KAKKLQIQPS

ClinVar aggregate classification (germline): Likely benign. Review status: criteria provided, multiple submitters, no conflicts (2 of 4 stars). 2 submissions from 2 submitters: Likely benign (2). Last evaluated 2024-07-20.

Conditions:
Cryopyrin associated periodic syndrome (CAPS). Identifiers: Orphanet 208650, MedGen C2316212, MONDO:0016168.

Allele frequency attached by ClinVar (database versions not stated): gnomAD exomes below 0.00001.
gnomAD v4.1: 2 of 1,614,128 alleles (0.00012%); highest among the groups gnomAD compares: Non-Finnish European, 0.000085%; no homozygotes.

Submissions (2):

Labcorp Genetics (formerly Invitae), Labcorp
Classification: Likely benign for Cryopyrin associated periodic syndrome. Last evaluated: 2024-07-20. Review status: criteria provided, single submitter. Criteria: Invitae Variant Classification Sherloc (09022015). Collection method: clinical testing. Allele origin: germline.

GeneDx
Classification: Likely benign. Last evaluated: 2018-03-16. Review status: criteria provided, single submitter. Criteria: GeneDx Variant Classification (06012015). Collection method: clinical testing. Allele origin: germline. Affected: yes.
Comment: This variant is considered likely benign or benign based on one or more of the following criteria: it is a conservative change, it occurs at a poorly conserved position in the protein, it is predicted to be benign by multiple in silico algorithms, and/or has population frequency not consistent with disease.